The following is an entry in ClinVar:

NM_006593.4(TBR1):c.1726G>C (p.Ala576Pro)

Gene: TBR1 (T-box brain transcription factor 1; plus strand). Cytogenetic location: 2q24.2.
Variant type: single nucleotide variant.
Coding change: c.1726G>C on transcript NM_006593.4 (MANE Select); coding-DNA position 1726, G replaced by C.
Protein change: p.Ala576Pro; replaces alanine 576 with proline.
Molecular consequence: missense variant.
Genome position (GRCh38, 1-based): chr2:161,423,904, G>C. VCF-style: chr2-161423904-G-C. GRCh37 (hg19) VCF-style: chr2-162280415-G-C.
Other names: short protein forms A576P.
Identifiers: ClinVar variation 1307559 (VCV001307559.2), dbSNP rs1393167410, ClinGen allele CA349214329.
Genomic context (GRCh38, chr2:161,423,904, plus strand): 5'-ACCAAGTCGGGCTCGGTGCTGCCCTGCTGGCCCAACAGCGCCGCGGCCGCCGCGCGCATG[G>C]CCGGCGCCAATCCCTACCTGGGCGAGGAGGCCGAGGGCCTGGCCGCCGAGCGCTCGCCGC-3'
Protein context (NP_006584.1, residues 566-586): PNSAAAAARM[Ala576Pro]GANPYLGEEA

ClinVar aggregate classification (germline): Uncertain significance (1 of 4 stars; one submission).

Allele frequency attached by ClinVar (database versions not stated): TOPMed below 0.00001.
gnomAD v4.1: 3 of 1,413,156 alleles (0.00021%); highest among the groups gnomAD compares: Non-Finnish European, 0.00028%; no homozygotes.

Submission:

GeneDx
Classification: Uncertain significance. Last evaluated: 2019-08-05. Review status: criteria provided, single submitter. Criteria: GeneDx Variant Classification Process June 2021. Collection method: clinical testing. Allele origin: germline. Affected: yes.
Comment: Not observed in large population cohorts (Lek et al., 2016); In silico analysis, which includes protein predictors and evolutionary conservation, supports that this variant does not alter protein structure/function; Has not been previously published as pathogenic or benign to our knowledge